The following is an entry in ClinVar:

ClinVar aggregate classification (germline): Uncertain significance (1 of 4 stars; one submission).

Submission:

Women's Health and Genetics/Laboratory Corporation of America, LabCorp
Classification: Uncertain significance. Last evaluated: 2025-12-04. Review status: criteria provided, single submitter. Criteria: LabCorp Variant Classification Summary - May 2015. Collection method: clinical testing. Allele origin: germline.
Comment: Variant summary: PBX1 c.266-5T>A alters a nucleotide located at a position not widely known to affect splicing. Several computational tools predict a significant impact on normal splicing: Four predict the variant creates a 3' acceptor site. One predict the variant abolishes a 3' acceptor site. Two predict the variant weakens a 3' acceptor site. However, these predictions have yet to be confirmed by functional studies. The variant was absent in 248570 control chromosomes. The available data on variant occurrences in the general population are insufficient to allow any conclusion about variant significance. To our knowledge, no occurrence of c.266-5T>A in individuals affected with PBX1-related conditions and no experimental evidence demonstrating its impact on protein function have been reported. No submitters have cited clinical-significance assessments for this variant to ClinVar. Based on the evidence outlined above, the variant was classified as uncertain significance.

NM_002585.4(PBX1):c.266-5T>A

Gene: PBX1 (PBX homeobox 1; plus strand). Cytogenetic location: 1q23.3.
Variant type: single nucleotide variant.
Coding change: c.266-5T>A on transcript NM_002585.4 (MANE Select); 5 bases into the intron before coding-DNA position 266, T replaced by A.
Molecular consequence: intron variant.
Genome position (GRCh38, 1-based): chr1:164,792,489, T>A. VCF-style: chr1-164792489-T-A. GRCh37 (hg19) VCF-style: chr1-164761726-T-A.
Other names: c.266-5T>A (NM_001353131.2, NM_001204961.2, NM_001204963.2); c.17-5T>A (NM_001353130.1).
Identifiers: ClinVar variation 4688584 (VCV004688584.1).